The following is an entry in ClinVar:

NM_003922.4(HERC1):c.9351C>T (p.Asp3117=)

Gene: HERC1 (HECT and RLD domain containing E3 ubiquitin protein ligase family member 1; minus strand). Cytogenetic location: 15q22.31.
Variant type: single nucleotide variant.
Coding change: c.9351C>T on transcript NM_003922.4 (MANE Select); coding-DNA position 9351, C replaced by T.
Protein change: p.Asp3117=; no amino-acid change (aspartic acid 3117 retained).
Molecular consequence: synonymous variant.
Genome position (GRCh38, 1-based): chr15:63,659,809, G>A on the plus strand (C>T on the coding strand, the complement: HERC1 is on the minus strand). VCF-style: chr15-63659809-G-A. GRCh37 (hg19) VCF-style: chr15-63952008-G-A.
Identifiers: ClinVar variation 4998569 (VCV004998569.1).

ClinVar aggregate classification (germline): Likely benign (1 of 4 stars; one submission).

Conditions:
HERC1-related disorder. Also called: HERC1-related condition.

Submission:

PreventionGenetics, part of Exact Sciences
Classification: Likely benign for HERC1-related condition. Last evaluated: 2024-11-22. Review status: criteria provided, single submitter. Criteria: ACMG Guidelines, 2015. Collection method: clinical testing. Allele origin: germline.
Comment: This variant is classified as likely benign based on ACMG/AMP sequence variant interpretation guidelines (Richards et al. 2015 PMID: 25741868, with internal and published modifications).